The following is an entry in ClinVar:

NM_005120.3(MED12):c.3070G>A (p.Asp1024Asn)

Gene: MED12 (mediator complex subunit 12; plus strand). Cytogenetic location: Xq13.1.
Variant type: single nucleotide variant.
Coding change: c.3070G>A on transcript NM_005120.3 (MANE Select); coding-DNA position 3070, G replaced by A.
Protein change: p.Asp1024Asn; replaces aspartic acid 1024 with asparagine.
Molecular consequence: missense variant.
Genome position (GRCh38, 1-based): chrX:71,127,981, G>A. VCF-style: chrX-71127981-G-A. GRCh37 (hg19) VCF-style: chrX-70347831-G-A.
Other names: c.3070G>A (NM_005120.2); short protein forms D1024N.
Identifiers: ClinVar variation 1380378 (VCV001380378.8), dbSNP rs1469572055, ClinGen allele CA413517277.
Genomic context (GRCh38, chrX:71,127,981, plus strand): 5'-ATCTACTGCAACGTGGAGCCATCGGAATCAAATATGCGCTGGGCACCTGAGTTCATGATC[G>A]ACACTCTAGAGAACCCTGCAGCTCACACCTTCACCTACACGGGGCTAGGCAAGAGTCTTA-3'
Protein context (NP_005111.2, residues 1014-1034): NMRWAPEFMI[Asp1024Asn]TLENPAAHTF

ClinVar aggregate classification (germline): Uncertain significance. Review status: criteria provided, multiple submitters, no conflicts (2 of 4 stars). 3 submissions from 3 submitters: Uncertain significance (3). Last evaluated 2025-07-26.

Conditions:
FG syndrome (FGS). Identifiers: MedGen C0220769, MONDO:0002010.
Familial thoracic aortic aneurysm and aortic dissection (TAAD). Also called: Thoracic aortic aneurysms and dissections. Identifiers: Orphanet 91387, MedGen C4707243, MONDO:0019625.

Allele frequency attached by ClinVar (database versions not stated): gnomAD exomes below 0.00001 and 0.00001.
gnomAD v4.1: 5 of 1,210,886 alleles (0.00041%); highest among the groups gnomAD compares: African/African-American, 0.0017%; no homozygotes.

Submissions (3):

GeneDx
Classification: Uncertain significance. Last evaluated: 2025-07-26. Review status: criteria provided, single submitter. Criteria: GeneDx Variant Classification Process June 2021. Collection method: clinical testing. Allele origin: germline. Affected: yes.
Comment: Not observed at significant frequency in large population cohorts (gnomAD); In silico analysis supports that this missense variant has a deleterious effect on protein structure/function; Has not been previously published as pathogenic or benign to our knowledge

Ambry Genetics
Classification: Uncertain significance for Familial thoracic aortic aneurysm and aortic dissection. Last evaluated: 2025-03-23. Review status: criteria provided, single submitter. Criteria: Ambry Variant Classification Scheme 2023. Collection method: clinical testing. Allele origin: germline.
Comment: The p.D1024N variant (also known as c.3070G>A), located in coding exon 22 of the MED12 gene, results from a G to A substitution at nucleotide position 3070. The aspartic acid at codon 1024 is replaced by asparagine, an amino acid with highly similar properties. This amino acid position is conserved. In addition, this alteration is predicted to be tolerated by in silico analysis. Based on data from gnomAD, the A allele has an overall frequency of <0.000% (1/181533) total alleles studied, with 0 hemizygote(s) observed. The highest observed frequency was 0.001% (1/81474) of European (non-Finnish) alleles. Based on the available evidence, the clinical significance of this variant remains unclear.

Labcorp Genetics (formerly Invitae), Labcorp
Classification: Uncertain significance for FG syndrome. Last evaluated: 2021-10-08. Review status: criteria provided, single submitter. Criteria: Invitae Variant Classification Sherloc (09022015). Collection method: clinical testing. Allele origin: germline.
Comment: This variant has not been reported in the literature in individuals affected with MED12-related conditions. In summary, the available evidence is currently insufficient to determine the role of this variant in disease. Therefore, it has been classified as a Variant of Uncertain Significance. Algorithms developed to predict the effect of missense changes on protein structure and function are either unavailable or do not agree on the potential impact of this missense change (SIFT: "Deleterious"; PolyPhen-2: "Possibly Damaging"; Align-GVGD: "Class C0"). This variant is not present in population databases (ExAC no frequency). This sequence change replaces aspartic acid with asparagine at codon 1024 of the MED12 protein (p.Asp1024Asn). The aspartic acid residue is highly conserved and there is a small physicochemical difference between aspartic acid and asparagine.